The following is an entry in ClinVar:

ClinVar aggregate classification (germline): Uncertain significance. Review status: criteria provided, multiple submitters, no conflicts (2 of 4 stars). 2 submissions from 2 submitters: Uncertain significance (2). Last evaluated 2024-07-30.

Conditions:
MHC class I deficiency. Identifiers: Orphanet 34592, MedGen C6024714, MONDO:0011476.

Allele frequency attached by ClinVar (database versions not stated): TOPMed 0.00004; ESP Exome Variant Server 0.00008; 1000 Genomes Project 30x 0.00016; 1000 Genomes Project 0.00020.
gnomAD v4.1: 31 of 1,613,998 alleles (0.0019%); highest among the groups gnomAD compares: African/African-American, 0.0027%; no homozygotes.

Submissions (2):

Blueprint Genetics
Classification: Uncertain significance. Last evaluated: 2024-07-30. Review status: criteria provided, single submitter. Criteria: ACMG Guidelines, 2015. Collection method: clinical testing. Allele origin: germline.

Labcorp Genetics (formerly Invitae), Labcorp
Classification: Uncertain significance for MHC class I deficiency 1. Last evaluated: 2021-10-15. Review status: criteria provided, single submitter. Criteria: Invitae Variant Classification Sherloc (09022015). Collection method: clinical testing. Allele origin: germline.
Comment: This sequence change replaces arginine with histidine at codon 544 of the TAP1 protein (p.Arg544His). The arginine residue is highly conserved and there is a small physicochemical difference between arginine and histidine. This variant is present in population databases (rs376553490, ExAC 0.01%). This variant has not been reported in the literature in individuals affected with TAP1-related conditions. Algorithms developed to predict the effect of missense changes on protein structure and function are either unavailable or do not agree on the potential impact of this missense change (SIFT: "Deleterious"; PolyPhen-2: "Probably Damaging"; Align-GVGD: "Class C0"). In summary, the available evidence is currently insufficient to determine the role of this variant in disease. Therefore, it has been classified as a Variant of Uncertain Significance.

NM_000593.6(TAP1):c.1451G>A (p.Arg484His)

Gene: TAP1 (transporter 1, ATP binding cassette subfamily B member; minus strand). Cytogenetic location: 6p21.32.
Variant type: single nucleotide variant.
Coding change: c.1451G>A on transcript NM_000593.6 (MANE Select); coding-DNA position 1451, G replaced by A.
Protein change: p.Arg484His; replaces arginine 484 with histidine.
Molecular consequence: missense variant.
Genome position (GRCh38, 1-based): chr6:32,848,767, C>T on the plus strand (G>A on the coding strand, the complement: TAP1 is on the minus strand). VCF-style: chr6-32848767-C-T. GRCh37 (hg19) VCF-style: chr6-32816544-C-T.
Other names: c.848G>A, p.Arg283His (NM_001292022.2); short protein forms R283H, R484H.
Identifiers: ClinVar variation 1446979 (VCV001446979.4), dbSNP rs376553490, ClinGen allele CA3746775.